The following is an entry in ClinVar:

NM_004341.5(CAD):c.638-1G>A

Gene: CAD (carbamoyl-phosphate synthetase 2, aspartate transcarbamylase, and dihydroorotase; plus strand). Cytogenetic location: 2p23.3.
Variant type: single nucleotide variant.
Coding change: c.638-1G>A on transcript NM_004341.5 (MANE Select); the canonical splice acceptor site of the intron before coding-DNA position 638, G replaced by A.
Molecular consequence: splice acceptor variant.
Genome position (GRCh38, 1-based): chr2:27,222,865, G>A. VCF-style: chr2-27222865-G-A. GRCh37 (hg19) VCF-style: chr2-27445733-G-A.
Other names: c.638-1G>A (NM_001306079.2).
Identifiers: ClinVar variation 1476172 (VCV001476172.6), dbSNP rs2148060260, ClinGen allele CA346200260.

ClinVar aggregate classification (germline): Likely pathogenic (1 of 4 stars; one submission).

Submission:

Labcorp Genetics (formerly Invitae), Labcorp
Classification: Likely pathogenic. Last evaluated: 2021-10-20. Review status: criteria provided, single submitter. Criteria: Invitae Variant Classification Sherloc (09022015). Collection method: clinical testing. Allele origin: germline.
Comment: This sequence change affects an acceptor splice site in intron 5 of the CAD gene. It is expected to disrupt RNA splicing. Variants that disrupt the donor or acceptor splice site typically lead to a loss of protein function (PMID: 16199547), and loss-of-function variants in CAD are known to be pathogenic (PMID: 28007989, 32117025, 32820246, 33497533). This variant is not present in population databases (ExAC no frequency). This variant has not been reported in the literature in individuals affected with CAD-related conditions. Algorithms developed to predict the effect of sequence changes on RNA splicing suggest that this variant may disrupt the consensus splice site. In summary, the currently available evidence indicates that the variant is pathogenic, but additional data are needed to prove that conclusively. Therefore, this variant has been classified as Likely Pathogenic.

Literature cited by the submitters: PubMed 16199547; PubMed 28007989; PubMed 32117025; PubMed 32820246; PubMed 33497533.